The following is an entry in ClinVar:

NM_020822.3(KCNT1):c.151G>A (p.Gly51Ser)

Gene: KCNT1 (potassium sodium-activated channel subfamily T member 1; plus strand). Cytogenetic location: 9q34.3.
Variant type: single nucleotide variant.
Coding change: c.151G>A on transcript NM_020822.3 (MANE Select); coding-DNA position 151, G replaced by A.
Protein change: p.Gly51Ser; replaces glycine 51 with serine.
Molecular consequence: missense variant. On other transcripts: intron variant (1).
Genome position (GRCh38, 1-based): chr9:135,714,617, G>A. VCF-style: chr9-135714617-G-A. GRCh37 (hg19) VCF-style: chr9-138606463-G-A.
Other names: c.110+12249G>A (NM_001272003.2); short protein forms G51S.
Identifiers: ClinVar variation 2938062 (VCV002938062.3), dbSNP rs148808978, ClinGen allele CA375493260.

ClinVar aggregate classification (germline): Uncertain significance (1 of 4 stars; one submission).

Conditions:
Autosomal dominant nocturnal frontal lobe epilepsy 5. Also called: Epilepsy, nocturnal frontal lobe, 5; CILIARY DYSKINESIA, PRIMARY, 28, WITHOUT SITUS INVERSUS; CILIARY DYSKINESIA, PRIMARY, 28, WITH SITUS INVERSUS; KCNT1-Related Epilepsy. Identifiers: Orphanet 98784, MedGen C3554306, MONDO:0014002, OMIM 615005.
Developmental and epileptic encephalopathy, 14 (DEE14). Also called: Early infantile epileptic encephalopathy 14. Identifiers: Orphanet 293181, MedGen C3554195, MONDO:0013989, OMIM 614959.

Submission:

Labcorp Genetics (formerly Invitae), Labcorp
Classification: Uncertain significance for Autosomal dominant nocturnal frontal lobe epilepsy 5; Developmental and epileptic encephalopathy, 14. Last evaluated: 2023-01-31. Review status: criteria provided, single submitter. Criteria: Invitae Variant Classification Sherloc (09022015). Collection method: clinical testing. Allele origin: germline.
Comment: In summary, the available evidence is currently insufficient to determine the role of this variant in disease. Therefore, it has been classified as a Variant of Uncertain Significance. Advanced modeling of protein sequence and biophysical properties (such as structural, functional, and spatial information, amino acid conservation, physicochemical variation, residue mobility, and thermodynamic stability) performed at Invitae indicates that this missense variant is not expected to disrupt KCNT1 protein function. This variant has not been reported in the literature in individuals affected with KCNT1-related conditions. This variant is present in population databases (no rsID available, gnomAD 0.004%). This sequence change replaces glycine, which is neutral and non-polar, with serine, which is neutral and polar, at codon 51 of the KCNT1 protein (p.Gly51Ser).